The following is an entry in ClinVar:

ClinVar aggregate classification (germline): Uncertain significance (1 of 4 stars; one submission).

Conditions:
NRP2-related disorder. Also called: NRP2-related condition.

Allele frequency attached by ClinVar (database versions not stated): TOPMed below 0.00001; ExAC 0.00002; gnomAD exomes 0.00002.
gnomAD v4.1: 12 of 1,614,228 alleles (0.00074%); highest among the groups gnomAD compares: Admixed American, 0.02%; no homozygotes.

Submission:

PreventionGenetics, part of Exact Sciences
Classification: Uncertain significance for NRP2-related condition. Last evaluated: 2024-12-23. Review status: criteria provided, single submitter. Criteria: ACMG Guidelines, 2015. Collection method: clinical testing. Allele origin: germline.
Comment: The NRP2 c.2584C>G variant is predicted to result in the amino acid substitution p.Leu862Val. To our knowledge, this variant has not been reported in the literature. This variant is reported in 0.032% of alleles in individuals of Latino descent in gnomAD. At this time, the clinical significance of this variant is uncertain due to the absence of conclusive functional and genetic evidence.

NM_003872.3(NRP2):c.2569C>G (p.Leu857Val)

Gene: NRP2 (neuropilin 2; plus strand). Cytogenetic location: 2q33.3.
Variant type: single nucleotide variant.
Coding change: c.2569C>G on transcript NM_003872.3 (MANE Select); coding-DNA position 2569, C replaced by G.
Protein change: p.Leu857Val; replaces leucine 857 with valine.
Molecular consequence: missense variant.
Genome position (GRCh38, 1-based): chr2:205,794,846, C>G. VCF-style: chr2-205794846-C-G. GRCh37 (hg19) VCF-style: chr2-206659570-C-G.
Other names: c.2584C>G, p.Leu862Val (NM_201266.2); c.2518C>G, p.Leu840Val (NM_201279.2); short protein forms L840V, L857V, L862V.
Identifiers: ClinVar variation 3030864 (VCV003030864.3), dbSNP rs775004973, ClinGen allele CA2069616.